The following is an entry in ClinVar:

NM_001148.6(ANK2):c.202C>G (p.Leu68Val)

Gene: ANK2 (ankyrin 2; plus strand). Cytogenetic location: 4q25.
Variant type: single nucleotide variant.
Coding change: c.202C>G on transcript NM_001148.6 (MANE Select); coding-DNA position 202, C replaced by G.
Protein change: p.Leu68Val; replaces leucine 68 with valine.
Molecular consequence: missense variant.
Genome position (GRCh38, 1-based): chr4:113,196,383, C>G. VCF-style: chr4-113196383-C-G. GRCh37 (hg19) VCF-style: chr4-114117539-C-G.
Other names: c.139C>G, p.Leu47Val (NM_001386158.1, NM_001386161.1, NM_001386162.1 and 33 more transcripts); c.184C>G, p.Leu62Val (NM_001386160.1, NM_001354261.2, NM_001386147.1); c.253C>G, p.Leu85Val (NM_001386174.1, NM_001386175.1); c.190C>G, p.Leu64Val (NM_001386186.2, NM_001386187.2, NM_001354269.3 and 1 more transcripts); c.202C>G, p.Leu68Val (NM_020977.5, NM_001354236.2, NM_001354245.2 and 9 more transcripts); c.247C>G, p.Leu83Val (NM_001354237.2, NM_001354240.2, NM_001354241.2 and 5 more transcripts); short protein forms L62V, L64V, L83V, L47V, L85V, L68V.
Identifiers: ClinVar variation 1784731 (VCV001784731.5), dbSNP rs2098748484, ClinGen allele CA357993406.
Genomic context (GRCh38, chr4:113,196,383, plus strand): 5'-CCTCATTACTTCACTTCTTAAAGCCTTGTTTGTTTCTTCTCTCAGAATGGACTCAACGCT[C>G]TCCATCTGGCTGCCAAGGAAGGCCACGTGGGGCTGGTGCAGGAGCTGCTGGGAAGAGGGT-3'
Protein context (NP_001139.3, residues 58-78): NTCNQNGLNA[Leu68Val]HLAAKEGHVG

ClinVar aggregate classification (germline): Uncertain significance. Review status: criteria provided, multiple submitters, no conflicts (2 of 4 stars). 3 submissions from 3 submitters: Uncertain significance (3). Last evaluated 2024-10-02.

Conditions:
Cardiovascular phenotype. Identifiers: MedGen CN230736.
Long QT syndrome (LQTS). Identifiers: MedGen C0023976, MeSH D008133, MONDO:0002442. Disease mechanism: loss of function. Inheritance: Various modes of inheritance.

Allele frequency attached by ClinVar (database versions not stated): TOPMed below 0.00001.

Submissions (3):

Labcorp Genetics (formerly Invitae), Labcorp
Classification: Uncertain significance for Long QT syndrome. Last evaluated: 2024-10-02. Review status: criteria provided, single submitter. Criteria: Invitae Variant Classification Sherloc (09022015). Collection method: clinical testing. Allele origin: germline.
Comment: This sequence change replaces leucine, which is neutral and non-polar, with valine, which is neutral and non-polar, at codon 68 of the ANK2 protein (p.Leu68Val). This variant is not present in population databases (gnomAD no frequency). This variant has not been reported in the literature in individuals affected with ANK2-related conditions. ClinVar contains an entry for this variant (Variation ID: 1784731). Invitae Evidence Modeling of protein sequence and biophysical properties (such as structural, functional, and spatial information, amino acid conservation, physicochemical variation, residue mobility, and thermodynamic stability) indicates that this missense variant is expected to disrupt ANK2 protein function with a positive predictive value of 80%. In summary, the available evidence is currently insufficient to determine the role of this variant in disease. Therefore, it has been classified as a Variant of Uncertain Significance.

GeneDx
Classification: Uncertain significance. Last evaluated: 2023-01-18. Review status: criteria provided, single submitter. Criteria: GeneDx Variant Classification Process June 2021. Collection method: clinical testing. Allele origin: germline. Affected: yes.
Comment: Not observed at significant frequency in large population cohorts (gnomAD); In silico analysis supports that this missense variant has a deleterious effect on protein structure/function; Has not been previously published as pathogenic or benign to our knowledge

Ambry Genetics
Classification: Uncertain significance for Cardiovascular phenotype. Last evaluated: 2022-09-17. Review status: criteria provided, single submitter. Criteria: Ambry Variant Classification Scheme 2023. Collection method: clinical testing. Allele origin: germline.
Comment: The p.L68V variant (also known as c.202C>G), located in coding exon 3 of the ANK2 gene, results from a C to G substitution at nucleotide position 202. The leucine at codon 68 is replaced by valine, an amino acid with highly similar properties. This amino acid position is conserved. In addition, this alteration is predicted to be deleterious by in silico analysis. Since supporting evidence is limited at this time, the clinical significance of this alteration remains unclear.